The following is an entry in ClinVar:

ClinVar aggregate classification (germline): Likely benign. Review status: criteria provided, multiple submitters, no conflicts (2 of 4 stars). 2 submissions from 2 submitters: Likely benign (2). Last evaluated 2025-08-17.

Conditions:
CACNA1A-related disorder. Also called: CACNA1A-related condition.
Episodic ataxia type 2 (EA2). Also called: ACETAZOLAMIDE-RESPONSIVE HEREDITARY PAROXYSMAL CEREBELLAR ATAXIA; ATAXIA, EPISODIC, WITH NYSTAGMUS; ATAXIA, FAMILIAL PAROXYSMAL; CEREBELLAR ATAXIA, PAROXYSMAL, ACETAZOLAMIDE-RESPONSIVE; CEREBELLOPATHY, HEREDITARY PAROXYSMAL; EPISODIC ATAXIA, NYSTAGMUS-ASSOCIATED. Identifiers: Orphanet 97, MedGen C1720416, MONDO:0007163, OMIM 108500.
Developmental and epileptic encephalopathy, 42 (DEE42A). Also called: Epileptic encephalopathy, early infantile, 42; DEVELOPMENTAL AND EPILEPTIC ENCEPHALOPATHY 42A; EPILEPTIC ENCEPHALOPATHY, EARLY INFANTILE, 42A. Identifiers: MedGen C4310716, MONDO:0014917, OMIM 617106.

gnomAD v4.1: 20 of 1,613,776 alleles (0.0012%); highest among the groups gnomAD compares: East Asian, 0.0022%; no homozygotes.

Submissions (2):

PreventionGenetics, part of Exact Sciences
Classification: Likely benign for CACNA1A-related condition. Last evaluated: 2025-08-17. Review status: criteria provided, single submitter. Criteria: ACMG Guidelines, 2015. Collection method: clinical testing. Allele origin: germline.
Comment: This variant is classified as likely benign based on ACMG/AMP sequence variant interpretation guidelines (Richards et al. 2015 PMID: 25741868, with internal and published modifications).

Labcorp Genetics (formerly Invitae), Labcorp
Classification: Likely benign for Developmental and epileptic encephalopathy, 42; Episodic ataxia type 2. Last evaluated: 2025-01-29. Review status: criteria provided, single submitter. Criteria: Invitae Variant Classification Sherloc (09022015). Collection method: clinical testing. Allele origin: germline.

NM_001127222.2(CACNA1A):c.4683C>T (p.Phe1561=)

Gene: CACNA1A (calcium voltage-gated channel subunit alpha1 A; minus strand). Cytogenetic location: 19p13.13.
Variant type: single nucleotide variant.
Coding change: c.4683C>T on transcript NM_001127222.2 (MANE Select); coding-DNA position 4683, C replaced by T.
Protein change: p.Phe1561=; no amino-acid change (phenylalanine 1561 retained).
Molecular consequence: synonymous variant.
Genome position (GRCh38, 1-based): chr19:13,255,167, G>A on the plus strand (C>T on the coding strand, the complement: CACNA1A is on the minus strand). VCF-style: chr19-13255167-G-A. GRCh37 (hg19) VCF-style: chr19-13365981-G-A.
Other names: c.4695C>T, p.Phe1565= (NM_000068.4, NM_023035.3); c.4686C>T, p.Phe1562= (NM_001127221.2, NM_001174080.2); c.4683C>T (NM_001127222.1).
Identifiers: ClinVar variation 3747992 (VCV003747992.3).
Genomic context (GRCh38, chr19:13,255,167, plus strand): 5'-CACGATGGTGTTGAGGGCGATCATGGCCATGATCGTGTACTCGAAAGGCGGAGACACCAC[G>A]AACTGCCACATGCGGTACTGGAAGCTCTGCTTGTTCTGCGGCATGTGTCGGGTCAGCGGC-3'
Protein context (NP_001120694.1, residues 1551-1571): KQSFQYRMWQ[Phe1561=]VVSPPFEYTI